The following is an entry in ClinVar:

ClinVar aggregate classification (germline): Benign/Likely benign. Review status: criteria provided, multiple submitters, no conflicts (2 of 4 stars). 14 submissions from 13 submitters: Benign (8); Likely benign (6). Last evaluated 2026-09-01.

Conditions:
Ehlers-Danlos syndrome (EDS). Identifiers: Orphanet 98249, MedGen C0013720, MONDO:0020066.
Ehlers-Danlos syndrome, classic type (cEDS). Identifiers: Orphanet 287, MedGen C4225429, MONDO:0007522.
Ehlers-Danlos syndrome, classic type, 1 (EDSCL1). Also called: Ehlers-Danlos syndrome, type 1; EHLERS-DANLOS SYNDROME, GRAVIS TYPE; EHLERS-DANLOS SYNDROME, SEVERE CLASSIC TYPE; Ehlers-Danlos Syndrome, Classic Type, COL5A1-Related; EDS I. Identifiers: MedGen C0268335, MONDO:0019567, OMIM 130000.
Familial thoracic aortic aneurysm and aortic dissection (TAAD). Also called: Thoracic aortic aneurysms and dissections. Identifiers: Orphanet 91387, MedGen C4707243, MONDO:0019625.
Fibromuscular dysplasia, multifocal. Identifiers: MedGen C5543412, MONDO:0859151, OMIM 619329.

Allele frequency attached by ClinVar (database versions not stated): gnomAD exomes 0.00027 and 0.00064; ExAC 0.00066; 1000 Genomes Project 0.00160; ESP Exome Variant Server 0.00161; gnomAD 0.00173 and 0.00194; TOPMed 0.00206; 1000 Genomes Project 30x 0.00234.
gnomAD v4.1: 700 of 1,614,094 alleles (0.043%); highest among the groups gnomAD compares: African/African-American, 0.62%; 5 homozygotes.

Submissions (14):

CeGaT Center for Human Genetics Tuebingen
Classification: Likely benign. Last evaluated: 2026-09-01. Review status: criteria provided, single submitter. Criteria: CeGaT Center For Human Genetics Tuebingen Variant Classification Criteria Version 2. Collection method: clinical testing. Allele origin: germline. Affected: yes. Observed: 3 variant alleles.
Comment: COL5A1: BP4, BP7, BS1

Labcorp Genetics (formerly Invitae), Labcorp
Classification: Benign for Ehlers-Danlos syndrome, classic type, 1. Last evaluated: 2026-02-04. Review status: criteria provided, single submitter. Criteria: Invitae Variant Classification Sherloc (09022015). Collection method: clinical testing. Allele origin: germline.

Mayo Clinic Laboratories, Mayo Clinic
Classification: Benign. Last evaluated: 2024-12-18. Review status: criteria provided, single submitter. Criteria: ACMG Guidelines, 2015. Collection method: clinical testing. Allele origin: germline. Observed: 6 variant alleles.
Comment: BA1, BS1, BS2, BP4, BP7

Blueprint Genetics
Classification: Likely benign. Last evaluated: 2024-09-15. Review status: criteria provided, single submitter. Criteria: ACMG Guidelines, 2015. Collection method: clinical testing. Allele origin: germline.

Women's Health and Genetics/Laboratory Corporation of America, LabCorp
Classification: Benign. Last evaluated: 2023-08-24. Review status: criteria provided, single submitter. Criteria: LabCorp Variant Classification Summary - May 2015. Collection method: clinical testing. Allele origin: germline.

ARUP Laboratories, Molecular Genetics and Genomics, ARUP Laboratories
Classification: Benign. Last evaluated: 2023-03-28. Review status: criteria provided, single submitter. Criteria: ARUP Molecular Germline Variant Investigation Process 2024. Collection method: clinical testing. Allele origin: germline.

Genome-Nilou Lab
Classification: Benign for Ehlers-Danlos syndrome, classic type, 1. Last evaluated: 2022-03-15. Review status: criteria provided, single submitter. Criteria: ACMG Guidelines, 2015. Collection method: clinical testing. Allele origin: germline. Affected: no.

Genome-Nilou Lab
Classification: Benign for Fibromuscular dysplasia, multifocal. Last evaluated: 2022-03-15. Review status: criteria provided, single submitter. Criteria: ACMG Guidelines, 2015. Collection method: clinical testing. Allele origin: germline. Affected: no.

Genome Diagnostics Laboratory, The Hospital for Sick Children
Classification: Likely benign for Ehlers-Danlos syndrome. Last evaluated: 2021-11-26. Review status: criteria provided, single submitter. Criteria: ACMG Guidelines, 2015. Collection method: clinical testing. Allele origin: germline.

Illumina Laboratory Services, Illumina
Classification: Benign for Ehlers-Danlos syndrome, classic type, 1. Last evaluated: 2018-01-12. Review status: criteria provided, single submitter. Criteria: ICSL Variant Classification Criteria 13 December 2019. Collection method: clinical testing. Allele origin: germline.
Comment: This variant was observed in the ICSL laboratory as part of a predisposition screen in an ostensibly healthy population. It had not been previously curated by ICSL or reported in the Human Gene Mutation Database (HGMD: prior to June 1st, 2018), and was therefore a candidate for classification through an automated scoring system. Utilizing variant allele frequency, disease prevalence and penetrance estimates, and inheritance mode, an automated score was calculated to assess if this variant is too frequent to cause the disease. Based on the score and internal cut-off values, a variant classified as benign is not then subjected to further curation. The score for this variant resulted in a classification of benign for this disease.

Eurofins Ntd Llc (ga)
Classification: Likely benign. Last evaluated: 2016-08-19. Review status: criteria provided, single submitter. Criteria: EGL Classification Definitions 2015. Collection method: clinical testing. Allele origin: germline. Observed: 2 variant alleles, 2 heterozygotes.

Ambry Genetics
Classification: Likely benign for Familial thoracic aortic aneurysm and aortic dissection. Last evaluated: 2015-07-07. Review status: criteria provided, single submitter. Criteria: Ambry Variant Classification Scheme 2023. Collection method: clinical testing. Allele origin: germline.

GeneDx
Classification: Benign. Last evaluated: 2014-06-17. Review status: criteria provided, single submitter. Criteria: GeneDx Variant Classification (06012015). Collection method: clinical testing. Allele origin: germline. Affected: yes.
Comment: This variant is considered likely benign or benign based on one or more of the following criteria: it is a conservative change, it occurs at a poorly conserved position in the protein, it is predicted to be benign by multiple in silico algorithms, and/or has population frequency not consistent with disease.

Breakthrough Genomics
Classification: Likely benign. Review status: criteria provided, single submitter. Criteria: ACMG Guidelines, 2015. Collection method: not provided. Allele origin: germline. Inheritance: Autosomal dominant inheritance. Affected: yes.

NM_000093.5(COL5A1):c.1158C>T (p.Ser386=)

Gene: COL5A1 (collagen type V alpha 1 chain; plus strand). Cytogenetic location: 9q34.3.
Variant type: single nucleotide variant.
Coding change: c.1158C>T on transcript NM_000093.5 (MANE Select); coding-DNA position 1158, C replaced by T.
Protein change: p.Ser386=; no amino-acid change (serine 386 retained).
Molecular consequence: synonymous variant.
Genome position (GRCh38, 1-based): chr9:134,730,469, C>T. VCF-style: chr9-134730469-C-T. GRCh37 (hg19) VCF-style: chr9-137622315-C-T.
Other names: p.S386S:TCC>TCT; p.Ser386=; c.1158C>T, p.Ser386= (NM_001278074.1).
Identifiers: ClinVar variation 212926 (VCV000212926.59), dbSNP rs61729497, ClinGen allele CA319937.